The following is an entry in ClinVar:

ClinVar aggregate classification (germline): Conflicting classifications of pathogenicity. Review status: criteria provided, conflicting classifications (1 of 4 stars). 2 submissions from 2 submitters: Uncertain significance (1); Likely benign (1). Last evaluated 2026-07-07.

Conditions:
Hereditary diffuse gastric adenocarcinoma (HDGC). Also called: DIFFUSE GASTRIC AND LOBULAR BREAST CANCER SYNDROME. Identifiers: Orphanet 26106, MedGen C1708349, MONDO:0007648, OMIM 137215.
Hereditary cancer-predisposing syndrome. Also called: Hereditary Cancer Syndrome; Hereditary neoplastic syndrome; Neoplastic Syndromes, Hereditary; Tumor predisposition. Identifiers: Orphanet 140162, MedGen C0027672, MeSH D009386, MONDO:0015356.

Submissions (2):

Ambry Genetics
Classification: Likely benign for Hereditary cancer-predisposing syndrome. Last evaluated: 2026-07-07. Review status: criteria provided, single submitter. Criteria: Ambry Variant Classification Scheme 2023. Collection method: clinical testing. Allele origin: germline.

Labcorp Genetics (formerly Invitae), Labcorp
Classification: Uncertain significance for Hereditary diffuse gastric adenocarcinoma. Last evaluated: 2023-05-17. Review status: criteria provided, single submitter. Criteria: Invitae Variant Classification Sherloc (09022015). Collection method: clinical testing. Allele origin: germline.
Comment: In summary, the available evidence is currently insufficient to determine the role of this variant in disease. Therefore, it has been classified as a Variant of Uncertain Significance. Algorithms developed to predict the effect of missense changes on protein structure and function output the following: SIFT: "Not Available"; PolyPhen-2: "Benign"; Align-GVGD: "Not Available". The threonine amino acid residue is found in multiple mammalian species, which suggests that this missense change does not adversely affect protein function. ClinVar contains an entry for this variant (Variation ID: 1767685). This variant has not been reported in the literature in individuals affected with CDH1-related conditions. This variant is not present in population databases (gnomAD no frequency). This sequence change replaces asparagine, which is neutral and polar, with threonine, which is neutral and polar, at codon 322 of the CDH1 protein (p.Asn322Thr).

NM_004360.5(CDH1):c.965A>C (p.Asn322Thr)

Gene: CDH1 (cadherin 1; plus strand). Cytogenetic location: 16q22.1.
Variant type: single nucleotide variant.
Coding change: c.965A>C on transcript NM_004360.5 (MANE Select); coding-DNA position 965, A replaced by C.
Protein change: p.Asn322Thr; replaces asparagine 322 with threonine.
Molecular consequence: missense variant. On other transcripts: 5 prime UTR variant (2).
Genome position (GRCh38, 1-based): chr16:68,811,816, A>C. VCF-style: chr16-68811816-A-C. GRCh37 (hg19) VCF-style: chr16-68845719-A-C.
Other names: c.965A>C, p.Asn322Thr (NM_001317184.2); c.-651A>C (NM_001317185.2); c.-855A>C (NM_001317186.2); short protein forms N322T.
Identifiers: ClinVar variation 1767685 (VCV001767685.6), dbSNP rs876661274, ClinGen allele CA396459823.
Genomic context (GRCh38, chr16:68,811,816, plus strand): 5'-ACACCATCCTCAGCCAAGATCCTGAGCTCCCTGACAAAAATATGTTCACCATTAACAGGA[A>C]CACAGGAGTCATCAGTGTGGTCACCACTGGGCTGGACCGAGAGGTCAGGGGTCAGGAGGA-3'
Protein context (NP_004351.1, residues 312-332): PDKNMFTINR[Asn322Thr]TGVISVVTTG